The following is an entry in ClinVar:

ClinVar aggregate classification (germline): Uncertain significance (1 of 4 stars; one submission).

Submission:

GeneDx
Classification: Uncertain significance. Last evaluated: 2025-06-12. Review status: criteria provided, single submitter. Criteria: GeneDx Variant Classification Process June 2021. Collection method: clinical testing. Allele origin: germline. Affected: yes.
Comment: Not observed at significant frequency in large population cohorts (gnomAD); In silico analysis suggests that this missense variant does not alter protein structure/function; Has not been previously published as pathogenic or benign to our knowledge

NM_013450.4(BAZ2B):c.4880C>T (p.Ser1627Phe)

Genes: BAZ2B (bromodomain adjacent to zinc finger domain 2B; minus strand), LOC126806390 (CDK7 strongly-dependent group 2 enhancer GRCh37_chr2:160205700-160206899; plus strand). Cytogenetic location: 2q24.2.
Variant type: single nucleotide variant.
Coding change: c.4880C>T on transcript NM_013450.4 (MANE Select); coding-DNA position 4880, C replaced by T.
Protein change: p.Ser1627Phe; replaces serine 1627 with phenylalanine.
Molecular consequence: missense variant.
Genome position (GRCh38, 1-based): chr2:159,349,264, G>A on the plus strand (C>T on the coding strand, the complement: BAZ2B is on the minus strand). VCF-style: chr2-159349264-G-A. GRCh37 (hg19) VCF-style: chr2-160205775-G-A.
Other names: c.4772C>T, p.Ser1591Phe (NM_001289975.1); c.4718C>T, p.Ser1573Phe (NM_001329857.2); c.4805C>T, p.Ser1602Phe (NM_001329858.2); short protein forms S1573F, S1591F, S1602F, S1627F.
Identifiers: ClinVar variation 4537595 (VCV004537595.1).